The following is an entry in ClinVar:

ClinVar aggregate classification (germline): Uncertain significance (1 of 4 stars; one submission).

Allele frequency attached by ClinVar (database versions not stated): TOPMed below 0.00001; gnomAD 0.00001; gnomAD exomes 0.00001; 1000 Genomes Project 30x 0.00016; 1000 Genomes Project 0.00020.

Submission:

Labcorp Genetics (formerly Invitae), Labcorp
Classification: Uncertain significance. Last evaluated: 2021-08-20. Review status: criteria provided, single submitter. Criteria: Invitae Variant Classification Sherloc (09022015). Collection method: clinical testing. Allele origin: germline.
Comment: In summary, the available evidence is currently insufficient to determine the role of this variant in disease. Therefore, it has been classified as a Variant of Uncertain Significance. Algorithms developed to predict the effect of missense changes on protein structure and function (SIFT, PolyPhen-2, Align-GVGD) all suggest that this variant is likely to be tolerated. This variant has not been reported in the literature in individuals affected with CLCC1-related conditions. This variant is not present in population databases (ExAC no frequency). This sequence change replaces alanine with serine at codon 515 of the CLCC1 protein (p.Ala515Ser). The alanine residue is moderately conserved and there is a moderate physicochemical difference between alanine and serine.

NM_001377458.1(CLCC1):c.1543G>T (p.Ala515Ser)

Gene: CLCC1 (chloride channel CLIC like 1; minus strand). Cytogenetic location: 1p13.3.
Variant type: single nucleotide variant.
Coding change: c.1543G>T on transcript NM_001377458.1 (MANE Select); coding-DNA position 1543, G replaced by T.
Protein change: p.Ala515Ser; replaces alanine 515 with serine.
Molecular consequence: missense variant. On other transcripts: non-coding transcript variant (1).
Genome position (GRCh38, 1-based): chr1:108,934,783, C>A on the plus strand (G>T on the coding strand, the complement: CLCC1 is on the minus strand). VCF-style: chr1-108934783-C-A. GRCh37 (hg19) VCF-style: chr1-109477405-C-A.
Other names: c.1543G>T, p.Ala515Ser (NM_001048210.3, NM_001377459.1, NM_001377460.1 and 8 more transcripts); c.1180G>T, p.Ala394Ser (NM_001278202.2); c.988G>T, p.Ala330Ser (NM_001278203.1); c.1441G>T, p.Ala481Ser (NM_001377469.1); c.1252G>T, p.Ala418Ser (NM_001377470.1); c.1393G>T, p.Ala465Ser (NM_015127.5); short protein forms A394S, A330S, A481S, A515S, A418S, A465S.
Identifiers: ClinVar variation 1503696 (VCV001503696.6), dbSNP rs202199249, ClinGen allele CA28584817.